The following is an entry in ClinVar:

NM_000038.6(APC):c.3878_3890del (p.Thr1293fs)

Gene: APC (APC regulator of Wnt signaling pathway; plus strand). Cytogenetic location: 5q22.2.
Variant type: Deletion.
Coding change: c.3878_3890del on transcript NM_000038.6 (MANE Select); coding-DNA positions 3878 to 3890, 13 bases deleted (CACAGGAAGCAGA).
Protein change: p.Thr1293fs; shifts the reading frame from threonine 1293.
Molecular consequence: frameshift variant.
Genome position (GRCh38, 1-based): chr5:112,839,472-112,839,484, CACAGGAAGCAGA deleted; deleting any 13 consecutive bases within chr5:112,839,470-112,839,484 gives the same sequence; the c. name uses the placement nearest the transcript's 3' end. VCF-style (leftmost placement, unchanged base first): chr5-112839469-CGACACAGGAAGCA-C. GRCh37 (hg19) VCF-style: chr5-112175166-CGACACAGGAAGCA-C.
Other names: c.3878_3890del, p.Thr1293fs (NM_001127510.3, NM_001354895.2); c.3824_3836del, p.Thr1275fs (NM_001127511.3); c.3932_3944del, p.Thr1311fs (NM_001354896.2); c.3908_3920del, p.Thr1303fs (NM_001354897.2); c.3803_3815del, p.Thr1268fs (NM_001354898.2); c.3794_3806del, p.Thr1265fs (NM_001354899.2); c.3755_3767del, p.Thr1252fs (NM_001354900.2); c.3701_3713del, p.Thr1234fs (NM_001354901.2); and 16 more; short protein forms T1192fs, T1010fs, T1202fs, T1234fs, T1265fs, T1268fs, T1167fs, T1275fs.
Identifiers: ClinVar variation 1735763 (VCV001735763.2), dbSNP rs2533530984, ClinGen allele CA2580072305.

ClinVar aggregate classification (germline): Pathogenic (1 of 4 stars; one submission).

Conditions:
Hereditary cancer-predisposing syndrome. Also called: Neoplastic Syndromes, Hereditary; Tumor predisposition; Hereditary Cancer Syndrome; Hereditary neoplastic syndrome. Identifiers: Orphanet 140162, MedGen C0027672, MeSH D009386, MONDO:0015356.

Submission:

Ambry Genetics
Classification: Pathogenic for Hereditary cancer-predisposing syndrome. Last evaluated: 2020-02-18. Review status: criteria provided, single submitter. Criteria: Ambry Variant Classification Scheme 2023. Collection method: clinical testing. Allele origin: germline.
Comment: The c.3878_3890del13 pathogenic mutation, located in coding exon 15 of the APC gene, results from a deletion of 13 nucleotides at nucleotide positions 3878 to 3890, causing a translational frameshift with a predicted alternate stop codon (p.T1293Ifs*8). This alteration is expected to result in loss of function by premature protein truncation. As such, this alteration is interpreted as a disease-causing mutation.